The following is an entry in ClinVar:

NM_001267550.2(TTN):c.104783A>G (p.Tyr34928Cys)

Genes: TTN (titin; minus strand), TTN-AS1 (TTN antisense RNA 1; plus strand). Cytogenetic location: 2q31.2.
Variant type: single nucleotide variant.
Coding change: c.104783A>G on transcript NM_001267550.2 (MANE Select); coding-DNA position 104783, A replaced by G.
Protein change: p.Tyr34928Cys; replaces tyrosine 34928 with cysteine.
Molecular consequence: missense variant.
Genome position (GRCh38, 1-based): chr2:178,531,832, T>C on the plus strand (A>G on the coding strand, the complement: TTN is on the minus strand). VCF-style: chr2-178531832-T-C. GRCh37 (hg19) VCF-style: chr2-179396559-T-C.
Other names: c.99860A>G, p.Tyr33287Cys (NM_001256850.1); c.77588A>G, p.Tyr25863Cys (NM_003319.4); c.97079A>G, p.Tyr32360Cys (NM_133378.4); c.77963A>G, p.Tyr25988Cys (NM_133432.3); c.78164A>G, p.Tyr26055Cys (NM_133437.4); short protein forms Y26055C, Y33287C, Y34928C, Y25863C, Y25988C, Y32360C.
Identifiers: ClinVar variation 1525794 (VCV001525794.6), dbSNP rs1470980085, ClinGen allele CA349410934.

ClinVar aggregate classification (germline): Uncertain significance (1 of 4 stars; one submission).

Conditions:
Dilated cardiomyopathy 1G (CMD1G). Identifiers: Orphanet 154, MedGen C1858763, MONDO:0011400, OMIM 604145.
Autosomal recessive limb-girdle muscular dystrophy type 2J (LGMDR10). Also called: Limb-girdle muscular dystrophy, type 2J; MUSCULAR DYSTROPHY, LIMB-GIRDLE, AUTOSOMAL RECESSIVE 10. Identifiers: Orphanet 140922, MedGen C1837342, MONDO:0012127, OMIM 608807.

Allele frequency attached by ClinVar (database versions not stated): gnomAD exomes below 0.00001.
gnomAD v4.1: 4 of 1,613,930 alleles (0.00025%); highest among the groups gnomAD compares: African/African-American, 0.0027%; no homozygotes.

Submission:

Labcorp Genetics (formerly Invitae), Labcorp
Classification: Uncertain significance for Dilated cardiomyopathy 1G; Autosomal recessive limb-girdle muscular dystrophy type 2J. Last evaluated: 2024-12-17. Review status: criteria provided, single submitter. Criteria: Invitae Variant Classification Sherloc (09022015). Collection method: clinical testing. Allele origin: germline.
Comment: This sequence change replaces tyrosine, which is neutral and polar, with cysteine, which is neutral and slightly polar, at codon 34928 of the TTN protein (p.Tyr34928Cys). This variant is present in population databases (no rsID available, gnomAD 0.01%). This variant has not been reported in the literature in individuals affected with TTN-related conditions. ClinVar contains an entry for this variant (Variation ID: 1525794). Experimental studies and prediction algorithms are not available or were not evaluated, and the functional significance of this variant is currently unknown. This variant is located in the M band of TTN (PMID: 25589632). Non-truncating variants in this region may be relevant for neuromuscular disorders, but have not been definitively shown to cause cardiomyopathy (PMID: 23975875). In summary, the available evidence is currently insufficient to determine the role of this variant in disease. Therefore, it has been classified as a Variant of Uncertain Significance.

Literature cited by the submitters: PubMed 25589632; PubMed 23975875.